The following is an entry in ClinVar:

NM_006031.6(PCNT):c.1246A>G (p.Ile416Val)

Gene: PCNT (pericentrin; plus strand). Cytogenetic location: 21q22.3.
Variant type: single nucleotide variant.
Coding change: c.1246A>G on transcript NM_006031.6 (MANE Select); coding-DNA position 1246, A replaced by G.
Protein change: p.Ile416Val; replaces isoleucine 416 with valine.
Molecular consequence: missense variant.
Genome position (GRCh38, 1-based): chr21:46,349,722, A>G. VCF-style: chr21-46349722-A-G. GRCh37 (hg19) VCF-style: chr21-47769636-A-G.
Other names: c.892A>G, p.Ile298Val (NM_001315529.2); short protein forms I416V, I298V.
Identifiers: ClinVar variation 291038 (VCV000291038.14), dbSNP rs368199588, ClinGen allele CA10078561.

ClinVar aggregate classification (germline): Conflicting classifications of pathogenicity. Review status: criteria provided, conflicting classifications (1 of 4 stars). 5 submissions from 5 submitters: Uncertain significance (3); Likely benign (1). 1 of the submissions does not count toward it. Last evaluated 2022-08-10.

Conditions:
PCNT-related disorder. Also called: PCNT-related condition.

Allele frequency attached by ClinVar (database versions not stated): gnomAD 0.00004 and 0.00014; TOPMed 0.00005; gnomAD exomes 0.00007 and 0.00021; ExAC 0.00023; 1000 Genomes Project 0.00080; 1000 Genomes Project 30x 0.00094.
gnomAD v4.1: 140 of 1,613,998 alleles (0.0087%); highest among the groups gnomAD compares: East Asian, 0.1%; no homozygotes.

Submissions (5):

Labcorp Genetics (formerly Invitae), Labcorp
Classification: Uncertain significance. Last evaluated: 2022-08-10. Review status: criteria provided, single submitter. Criteria: Invitae Variant Classification Sherloc (09022015). Collection method: clinical testing. Allele origin: germline.
Comment: This sequence change replaces isoleucine, which is neutral and non-polar, with valine, which is neutral and non-polar, at codon 416 of the PCNT protein (p.Ile416Val). The frequency data for this variant in the population databases is considered unreliable, as metrics indicate poor data quality at this position in the gnomAD database. This variant has not been reported in the literature in individuals affected with PCNT-related conditions. ClinVar contains an entry for this variant (Variation ID: 291038). Algorithms developed to predict the effect of missense changes on protein structure and function output the following: SIFT: "Tolerated"; PolyPhen-2: "Benign"; Align-GVGD: "Class C0". The valine amino acid residue is found in multiple mammalian species, which suggests that this missense change does not adversely affect protein function. In summary, the available evidence is currently insufficient to determine the role of this variant in disease. Therefore, it has been classified as a Variant of Uncertain Significance.

Genetic Services Laboratory, University of Chicago
Classification: Uncertain significance. Last evaluated: 2017-02-23. Review status: criteria provided, single submitter. Criteria: ACMG Guidelines, 2015. Collection method: clinical testing. Allele origin: germline. Affected: no.

Eurofins Ntd Llc (ga)
Classification: Uncertain significance. Last evaluated: 2016-09-23. Review status: criteria provided, single submitter. Criteria: EGL Classification Definitions 2015. Collection method: clinical testing. Allele origin: germline. Observed: 1 variant allele, 1 heterozygote.

GeneDx
Classification: Likely benign. Last evaluated: 2015-03-19. Review status: criteria provided, single submitter. Criteria: GeneDx Variant Classification (06012015). Collection method: clinical testing. Allele origin: germline. Affected: yes.
Comment: This variant is considered likely benign or benign based on one or more of the following criteria: it is a conservative change, it occurs at a poorly conserved position in the protein, it is predicted to be benign by multiple in silico algorithms, and/or has population frequency not consistent with disease.

PreventionGenetics, part of Exact Sciences
Classification: Likely benign for PCNT-related condition. Last evaluated: 2022-02-03. Review status: no assertion criteria provided. Collection method: clinical testing. Allele origin: germline. Not counted in ClinVar's aggregate classification.
Comment: This variant is classified as likely benign based on ACMG/AMP sequence variant interpretation guidelines (Richards et al. 2015 PMID: 25741868, with internal and published modifications).